The following is an entry in ClinVar:

ClinVar aggregate classification (germline): Likely pathogenic (1 of 4 stars; one submission).

Conditions:
Distal arthrogryposis type 5D (DA5D). Identifiers: Orphanet 329457, MedGen C3554415, MONDO:0014028, OMIM 615065.

Submission:

Diagnostics Services (NGS), CSIR - Centre For Cellular And Molecular Biology
Classification: Likely pathogenic for Distal arthrogryposis type 5D. Last evaluated: 2024-08-09. Review status: criteria provided, single submitter. Criteria: ACMG Guidelines, 2015. Collection method: clinical testing. Allele origin: germline. Affected: yes. Observed: 1 variant allele, 1 heterozygote.
Comment: The c.1686-2A>T variant is not present in publicly available population databases like 1000 Genomes, EVS, gnomAD, ExAC, Indian Exome Database or our in-house exome database. This variant has neither been published in literature nor reported to clinical databases like ClinVar, Human Genome Mutation Database (HGMD) or OMIM, in any affected individuals. Algorithms developed to predict the effect of sequence changes on RNA splicing suggest that this variant can disrupt the consensus splice site. In-silico pathogenicity prediction programs like HSF3.1, MutationTaster2, CADD, Varsome, Franklin etc predicted this variant to be likely deleterious however these predictions were not confirmed by published translational studies.

NM_004826.4(ECEL1):c.1686-2A>T

Gene: ECEL1 (endothelin converting enzyme like 1; minus strand). Cytogenetic location: 2q37.1.
Variant type: single nucleotide variant.
Coding change: c.1686-2A>T on transcript NM_004826.4 (MANE Select); the canonical splice acceptor site of the intron before coding-DNA position 1686, A replaced by T.
Molecular consequence: splice acceptor variant.
Genome position (GRCh38, 1-based): chr2:232,482,610, T>A on the plus strand (A>T on the coding strand, the complement: ECEL1 is on the minus strand). VCF-style: chr2-232482610-T-A. GRCh37 (hg19) VCF-style: chr2-233347320-T-A.
Other names: c.1680-2A>T (NM_001290787.2).
Identifiers: ClinVar variation 3340520 (VCV003340520.1).